The following is an entry in ClinVar:

NM_006031.6(PCNT):c.5023G>T (p.Glu1675Ter)

Gene: PCNT (pericentrin; plus strand). Cytogenetic location: 21q22.3.
Variant type: single nucleotide variant.
Coding change: c.5023G>T on transcript NM_006031.6 (MANE Select); coding-DNA position 5023, G replaced by T.
Protein change: p.Glu1675Ter; replaces glutamic acid 1675 with a stop codon.
Molecular consequence: nonsense.
Genome position (GRCh38, 1-based): chr21:46,402,391, G>T. VCF-style: chr21-46402391-G-T. GRCh37 (hg19) VCF-style: chr21-47822305-G-T.
Other names: c.4669G>T, p.Glu1557Ter (NM_001315529.2); short protein forms E1675*, E1557*.
Identifiers: ClinVar variation 2826478 (VCV002826478.3), dbSNP rs1601970640, ClinGen allele CA410581851.

ClinVar aggregate classification (germline): Pathogenic (1 of 4 stars; one submission).

Submission:

Labcorp Genetics (formerly Invitae), Labcorp
Classification: Pathogenic. Last evaluated: 2023-01-06. Review status: criteria provided, single submitter. Criteria: Invitae Variant Classification Sherloc (09022015). Collection method: clinical testing. Allele origin: germline.
Comment: This sequence change creates a premature translational stop signal (p.Glu1675*) in the PCNT gene. It is expected to result in an absent or disrupted protein product. Loss-of-function variants in PCNT are known to be pathogenic (PMID: 18174396, 22821869). This variant is not present in population databases (gnomAD no frequency). This variant has not been reported in the literature in individuals affected with PCNT-related conditions. For these reasons, this variant has been classified as Pathogenic.

Literature cited by the submitters: PubMed 18174396; PubMed 22821869.